The following is an entry in ClinVar:

ClinVar aggregate classification (germline): Conflicting classifications of pathogenicity. Review status: criteria provided, conflicting classifications (1 of 4 stars). 3 submissions from 3 submitters: Pathogenic (2); Uncertain significance (1). Last evaluated 2026-04-01.

Conditions:
WDFY3-related disorder.
Inborn genetic diseases. Identifiers: MedGen C0950123, MeSH D030342.

Submissions (3):

Ambry Genetics
Classification: Pathogenic for Inborn genetic diseases. Last evaluated: 2026-04-01. Review status: criteria provided, single submitter. Criteria: Ambry Variant Classification Scheme 2023. Collection method: clinical testing. Allele origin: germline.
Comment: The c.8941C>T (p.R2981*) alteration, located in exon 59 (coding exon 56) of the WDFY3 gene, consists of a C to T substitution at nucleotide position 8941. This changes the amino acid from a arginine (R) to a stop codon at amino acid position 2981. This variant is expected to result in loss of function by premature protein truncation or nonsense-mediated mRNA decay. This variant was not reported in population-based cohorts in the Genome Aggregation Database (gnomAD). This variant was determined to be de novo in at least one individual with features consistent with WDFY3-related neurodevelopmental disorder (Wang, 2021). Based on the available evidence, this alteration is classified as pathogenic.

3billion
Classification: Uncertain significance for WDFY3-related disorder. Last evaluated: 2025-11-19. Review status: criteria provided, single submitter. Criteria: ACMG Guidelines, 2015. Collection method: clinical testing. Allele origin: germline. Affected: yes.
Comment: The variant is not observed in the gnomAD v4.1.0 dataset. Predicted Consequence/Location: Stop-gained (nonsense): predicted to result in a loss or disruption of normal protein function through nonsense-mediated decay (NMD) or protein truncation. The variant has been reported to be associated with WDFY3-related disorder (ClinVar ID: VCV001208615). Therefore, this variant is classified as VUS according to the recommendation of ACMG/AMP guideline.

GeneDx
Classification: Pathogenic. Last evaluated: 2024-09-07. Review status: criteria provided, single submitter. Criteria: GeneDx Variant Classification Process June 2021. Collection method: clinical testing. Allele origin: germline. Affected: yes.
Comment: Identified in a patient belonging to a cohort of individuals with neurodevelopmental psychiatric disorders in published literature (PMID: 36475376) but additional evidence is not available; Nonsense variant predicted to result in protein truncation or nonsense mediated decay in a gene for which loss of function is a known mechanism of disease; Not observed in large population cohorts (gnomAD); This variant is associated with the following publications: (PMID: 33994118, 36475376)

Literature cited by the submitters: PubMed 33994118 (cited by Ambry Genetics).

NM_014991.6(WDFY3):c.8941C>T (p.Arg2981Ter)

Gene: WDFY3 (WD repeat and FYVE domain containing 3; minus strand). Cytogenetic location: 4q21.23.
Variant type: single nucleotide variant.
Coding change: c.8941C>T on transcript NM_014991.6 (MANE Select); coding-DNA position 8941, C replaced by T.
Protein change: p.Arg2981Ter; replaces arginine 2981 with a stop codon.
Molecular consequence: nonsense.
Genome position (GRCh38, 1-based): chr4:84,692,993, G>A on the plus strand (C>T on the coding strand, the complement: WDFY3 is on the minus strand). VCF-style: chr4-84692993-G-A. GRCh37 (hg19) VCF-style: chr4-85614146-G-A.
Other names: short protein forms R2981*.
Identifiers: ClinVar variation 1208615 (VCV001208615.7), dbSNP rs2148866902, ClinGen allele CA357538276.
Genomic context (GRCh38, chr4:84,692,993, plus strand): 5'-AGATCTTGTCACTTGTAGATCCTGGTAGGACAGAGATTCCTGCATTGTCTCCATTGAGTC[G>A]ACTTCTCACTCGCTTTGGTGGATGAGGTTTTTTAAATAACTGGTATGAAAGAAGATGACT-3'